The following is an entry in ClinVar:

NM_014804.3(KIAA0753):c.2365C>T (p.Gln789Ter)

Gene: KIAA0753 (KIAA0753; minus strand). Cytogenetic location: 17p13.1.
Variant type: single nucleotide variant.
Coding change: c.2365C>T on transcript NM_014804.3 (MANE Select); coding-DNA position 2365, C replaced by T.
Protein change: p.Gln789Ter; replaces glutamine 789 with a stop codon.
Molecular consequence: nonsense. On other transcripts: non-coding transcript variant (3).
Genome position (GRCh38, 1-based): chr17:6,595,047, G>A on the plus strand (C>T on the coding strand, the complement: KIAA0753 is on the minus strand). VCF-style: chr17-6595047-G-A. GRCh37 (hg19) VCF-style: chr17-6498367-G-A.
Other names: c.1468C>T, p.Gln490Ter (NM_001351225.2); short protein forms Q789*, Q490*.
Identifiers: ClinVar variation 620532 (VCV000620532.4), dbSNP rs749044639, ClinGen allele CA8330163.

ClinVar aggregate classification (germline): Conflicting classifications of pathogenicity. Review status: criteria provided, conflicting classifications (1 of 4 stars). 3 submissions from 3 submitters: Likely pathogenic (2); Uncertain significance (1). Last evaluated 2026-08-06.

Conditions:
KIAA0753-related disorder.

Allele frequency attached by ClinVar (database versions not stated): gnomAD 0.00001; gnomAD exomes 0.00001; ExAC 0.00002; TOPMed 0.00003.
gnomAD v4.1: 14 of 1,594,196 alleles (0.00088%); highest among the groups gnomAD compares: Admixed American, 0.0035%; no homozygotes.

Submissions (3):

OLLIN Analises Genomicas, OLLIN
Classification: Likely pathogenic. Last evaluated: 2026-08-06. Review status: criteria provided, single submitter. Criteria: ACMG Guidelines 2015 PMID 25741868. Collection method: clinical testing. Allele origin: germline.
Comment: This nonsense variant, located in exon 16 (of 19), has been reported in ClinVar (accession VCV000620532.2) and in gnomAD with an allele frequency of 0.00088%. However, to our knowledge, it has not been reported in the scientific literature. This variant introduces a premature stop codon, which is predicted to result in either a truncated protein or degradation of the mRNA via nonsense-mediated decay (NMD). According to the currently available evidence, this variant has been classified as likely pathogenic (PVS1, PM2_P).

GeneDx
Classification: Uncertain significance. Last evaluated: 2025-04-28. Review status: criteria provided, single submitter. Criteria: GeneDx Variant Classification Process June 2021. Collection method: clinical testing. Allele origin: germline. Affected: yes.
Comment: Nonsense variant predicted to result in protein truncation or nonsense mediated decay in a gene for which loss of function is a known mechanism of disease; Has not been previously published as pathogenic or benign to our knowledge

Blueprint Genetics
Classification: Likely pathogenic for KIAA0753-related disorders. Last evaluated: 2024-06-24. Review status: criteria provided, single submitter. Criteria: ACMG Guidelines, 2015. Collection method: clinical testing. Allele origin: germline. Affected: yes. Observed: 3 variant alleles.